The following is an entry in ClinVar:

NM_000138.5(FBN1):c.1961-3T>G

Gene: FBN1 (fibrillin 1; minus strand). Cytogenetic location: 15q21.1.
Variant type: single nucleotide variant.
Coding change: c.1961-3T>G on transcript NM_000138.5 (MANE Select); 3 bases into the intron before coding-DNA position 1961, T replaced by G.
Molecular consequence: intron variant.
Genome position (GRCh38, 1-based): chr15:48,503,942, A>C on the plus strand (T>G on the coding strand, the complement: FBN1 is on the minus strand). VCF-style: chr15-48503942-A-C. GRCh37 (hg19) VCF-style: chr15-48796139-A-C.
Other names: c.1961-3T>G (NM_001406716.1).
Identifiers: ClinVar variation 3769626 (VCV003769626.1).

ClinVar aggregate classification (germline): Pathogenic (1 of 4 stars; one submission).

Conditions:
Marfan syndrome (MFS). Also called: MARFAN SYNDROME, TYPE I; Marfan syndrome type 1; Marfan's syndrome; Marfan syndrome, classic; FBN1-Related Marfan Syndrome. Identifiers: Orphanet 284963, Orphanet 558, MedGen C0024796, MONDO:0007947, OMIM 154700.

Submission:

Clinical and Biomedical Sciences, University of Exeter
Classification: Pathogenic for Marfan syndrome. Last evaluated: 2025-02-28. Review status: criteria provided, single submitter. Criteria: ACMG Guidelines, 2015. Collection method: research. Allele origin: germline. Affected: yes. Study: 100,000 Genomes Project.
Comment: RT-PCR from blood showed no difference initially, but no allele imbalance expts done. Redone with intronic primers 133bp extension detected, r.1960_1961ins133 p.(Asp654AlafsTer17).